The following is an entry in ClinVar:

NM_001379403.1(WDR26):c.1600-3T>C

Gene: WDR26 (WD repeat domain 26; minus strand). Cytogenetic location: 1q42.12.
Variant type: single nucleotide variant.
Coding change: c.1600-3T>C on transcript NM_001379403.1 (MANE Select); 3 bases into the intron before coding-DNA position 1600, T replaced by C.
Molecular consequence: intron variant.
Genome position (GRCh38, 1-based): chr1:224,401,072, A>G on the plus strand (T>C on the coding strand, the complement: WDR26 is on the minus strand). VCF-style: chr1-224401072-A-G. GRCh37 (hg19) VCF-style: chr1-224588774-A-G.
Other names: c.1252-3T>C (NM_001115113.3); c.1300-3T>C (NM_025160.7).
Identifiers: ClinVar variation 1879111 (VCV001879111.29), dbSNP rs1673399471, ClinGen allele CA1224047366.

ClinVar aggregate classification (germline): Uncertain significance (1 of 4 stars; one submission).

Allele frequency attached by ClinVar (database versions not stated): gnomAD exomes below 0.00001; TOPMed below 0.00001.
gnomAD v4.1: 4 of 1,612,724 alleles (0.00025%); highest among the groups gnomAD compares: Non-Finnish European, 0.00034%; no homozygotes.

Submission:

CeGaT Center for Human Genetics Tuebingen
Classification: Uncertain significance. Last evaluated: 2022-11-01. Review status: criteria provided, single submitter. Criteria: CeGaT Center For Human Genetics Tuebingen Variant Classification Criteria Version 2. Collection method: clinical testing. Allele origin: germline. Affected: yes. Observed: 1 variant allele.
Comment: WDR26: PM2, BP4